The following is an entry in ClinVar:

NM_001267550.2(TTN):c.15576del (p.Ser5194fs)

Gene: TTN (titin; minus strand). Cytogenetic location: 2q31.2.
Variant type: Deletion.
Coding change: c.15576del on transcript NM_001267550.2 (MANE Select); coding-DNA position 15576, one base deleted (A; older notation c.15576delA).
Protein change: p.Ser5194fs; shifts the reading frame from serine 5194.
Molecular consequence: frameshift variant. On other transcripts: intron variant (3).
Genome position (GRCh38, 1-based): chr2:178,733,813, T deleted on the plus strand (A on the coding strand, the reverse complement: TTN is on the minus strand). VCF-style (leftmost placement, unchanged base first): chr2-178733812-CT-C. GRCh37 (hg19) VCF-style: chr2-179598539-CT-C.
Other names: c.14625del, p.Ser4877fs (NM_001256850.1); c.11844del, p.Ser3950fs (NM_133378.4); c.13282+4269del (NM_003319.4); c.13858+4269del (NM_133437.4); c.13657+4269del (NM_133432.3); c.15576delA (NM_001267550.2); short protein forms S4877fs, S3950fs, S5194fs.
Identifiers: ClinVar variation 664496 (VCV000664496.9), dbSNP rs1578202642, ClinGen allele CA915942292.

ClinVar aggregate classification (germline): Likely pathogenic (1 of 4 stars; one submission).

Conditions:
Dilated cardiomyopathy 1G (CMD1G). Identifiers: Orphanet 154, MedGen C1858763, MONDO:0011400, OMIM 604145.
Autosomal recessive limb-girdle muscular dystrophy type 2J (LGMDR10). Also called: MUSCULAR DYSTROPHY, LIMB-GIRDLE, AUTOSOMAL RECESSIVE 10; Limb-girdle muscular dystrophy, type 2J. Identifiers: Orphanet 140922, MedGen C1837342, MONDO:0012127, OMIM 608807.

Submission:

Labcorp Genetics (formerly Invitae), Labcorp
Classification: Likely pathogenic for Dilated cardiomyopathy 1G; Autosomal recessive limb-girdle muscular dystrophy type 2J. Last evaluated: 2024-10-18. Review status: criteria provided, single submitter. Criteria: Invitae Variant Classification Sherloc (09022015). Collection method: clinical testing. Allele origin: germline.
Comment: This sequence change creates a premature translational stop signal (p.Ser5194Glnfs*9) in the TTN gene. While this is not anticipated to result in nonsense mediated decay, it is expected to create a truncated TTN protein. This variant is not present in population databases (gnomAD no frequency). This variant has not been reported in the literature in individuals affected with TTN-related conditions. ClinVar contains an entry for this variant (Variation ID: 664496). This variant is located in the I band of TTN (PMID: 25589632). Truncating variants in this region have been reported in individuals affected with autosomal recessive centronuclear myopathy (PMID: 23975875, internal data). Truncating variants in this region have also been identified in individuals affected with autosomal dominant dilated cardiomyopathy and/or cardio-related conditions (PMID: 27869827, 32964742, internal data). In summary, the currently available evidence indicates that the variant is pathogenic, but additional data are needed to prove that conclusively. Therefore, this variant has been classified as Likely Pathogenic.

Literature cited by the submitters: PubMed 25589632; PubMed 23975875; PubMed 27869827; PubMed 32964742.